The following is an entry in ClinVar:

NM_004380.3(CREBBP):c.5223G>C (p.Lys1741Asn)

Gene: CREBBP (CREB binding lysine acetyltransferase; minus strand). Cytogenetic location: 16p13.3.
Variant type: single nucleotide variant.
Coding change: c.5223G>C on transcript NM_004380.3 (MANE Select); coding-DNA position 5223, G replaced by C.
Protein change: p.Lys1741Asn; replaces lysine 1741 with asparagine.
Molecular consequence: missense variant.
Genome position (GRCh38, 1-based): chr16:3,729,824, C>G on the plus strand (G>C on the coding strand, the complement: CREBBP is on the minus strand). VCF-style: chr16-3729824-C-G. GRCh37 (hg19) VCF-style: chr16-3779825-C-G.
Other names: c.5109G>C, p.Lys1703Asn (NM_001079846.1); short protein forms K1741N, K1703N.
Identifiers: ClinVar variation 4996158 (VCV004996158.1).

ClinVar aggregate classification (germline): Uncertain significance (1 of 4 stars; one submission).

Conditions:
CREBBP-related disorder. Also called: CREBBP-related disorders; CREBBP-related condition.

gnomAD v4.1: 2 of 1,605,176 alleles (0.00012%); highest among the groups gnomAD compares: Admixed American, 0.0033%; no homozygotes.

Submission:

PreventionGenetics, part of Exact Sciences
Classification: Uncertain significance for CREBBP-related condition. Last evaluated: 2026-01-26. Review status: criteria provided, single submitter. Criteria: ACMG Guidelines, 2015. Collection method: clinical testing. Allele origin: germline.
Comment: The CREBBP c.5223G>C variant is predicted to result in the amino acid substitution p.Lys1741Asn. To our knowledge, this variant has not been reported in the literature. This variant is reported in 0.0087% of alleles in individuals of Latino descent in gnomAD. At this time, the clinical significance of this variant is uncertain due to the absence of conclusive functional and genetic evidence.